The following is an entry in ClinVar:

ClinVar aggregate classification (germline): Conflicting classifications of pathogenicity. Review status: criteria provided, conflicting classifications (1 of 4 stars). 2 submissions from 2 submitters: Uncertain significance (1); Likely benign (1). Last evaluated 2025-09-10.

Conditions:
EGFR-related lung cancer (EGFR). Identifiers: MedGen CN130014.
Hereditary cancer-predisposing syndrome. Also called: Hereditary Cancer Syndrome; Tumor predisposition; Hereditary neoplastic syndrome; Neoplastic Syndromes, Hereditary. Identifiers: Orphanet 140162, MedGen C0027672, MeSH D009386, MONDO:0015356.

Allele frequency attached by ClinVar (database versions not stated): TOPMed below 0.00001; gnomAD exomes 0.00001 and 0.00002; ExAC 0.00003.
gnomAD v4.1: 4 of 1,614,216 alleles (0.00025%); highest among the groups gnomAD compares: East Asian, 0.0089%; no homozygotes.

Submissions (2):

Labcorp Genetics (formerly Invitae), Labcorp
Classification: Uncertain significance for EGFR-related lung cancer. Last evaluated: 2025-09-10. Review status: criteria provided, single submitter. Criteria: Invitae Variant Classification Sherloc (09022015). Collection method: clinical testing. Allele origin: germline.
Comment: This sequence change replaces threonine, which is neutral and polar, with asparagine, which is neutral and polar, at codon 1046 of the EGFR protein (p.Thr1046Asn). This variant is present in population databases (rs773437153, gnomAD 0.02%). This variant has not been reported in the literature in individuals affected with EGFR-related conditions. ClinVar contains an entry for this variant (Variation ID: 1043400). An algorithm developed to predict the effect of missense changes on protein structure and function (PolyPhen-2) suggests that this variant is likely to be tolerated. In summary, the available evidence is currently insufficient to determine the role of this variant in disease. Therefore, it has been classified as a Variant of Uncertain Significance.

Ambry Genetics
Classification: Likely benign for Hereditary cancer-predisposing syndrome. Last evaluated: 2024-10-17. Review status: criteria provided, single submitter. Criteria: Ambry Variant Classification Scheme 2023. Collection method: clinical testing. Allele origin: germline.

NM_005228.5(EGFR):c.3137C>A (p.Thr1046Asn)

Gene: EGFR (epidermal growth factor receptor; plus strand). Cytogenetic location: 7p11.2.
Variant type: single nucleotide variant.
Coding change: c.3137C>A on transcript NM_005228.5 (MANE Select); coding-DNA position 3137, C replaced by A.
Protein change: p.Thr1046Asn; replaces threonine 1046 with asparagine.
Molecular consequence: missense variant.
Genome position (GRCh38, 1-based): chr7:55,201,757, C>A. VCF-style: chr7-55201757-C-A. GRCh37 (hg19) VCF-style: chr7-55269450-C-A.
Other names: c.3137C>A (NM_005228.3); c.3002C>A, p.Thr1001Asn (NM_001346897.2, NM_001346899.2); c.3137C>A, p.Thr1046Asn (NM_001346898.2); c.2978C>A, p.Thr993Asn (NM_001346900.2); c.2336C>A, p.Thr779Asn (NM_001346941.2); short protein forms T993N, T1001N, T779N, T1046N.
Identifiers: ClinVar variation 1043400 (VCV001043400.9), dbSNP rs773437153, ClinGen allele CA4266283.